The following is an entry in ClinVar:

ClinVar aggregate classification (germline): Pathogenic (1 of 4 stars; one submission).

Submission:

GeneDx
Classification: Pathogenic. Last evaluated: 2024-12-06. Review status: criteria provided, single submitter. Criteria: GeneDx Variant Classification Process June 2021. Collection method: clinical testing. Allele origin: germline. Affected: yes.
Comment: Reported in a patient suspected of having rare disease; however, clinical information was not provided (Cheon CK et al. (2022) J Genet Med. 19 :76-84 DOI 10.5734/JGM.2022.19.2.76); Frameshift variant predicted to result in protein truncation or nonsense mediated decay in a gene for which loss of function is a known mechanism of disease; Not observed at significant frequency in large population cohorts (gnomAD); This variant is associated with the following publications: (PMID: Cheon (2022)_ article)

NM_015570.4(AUTS2):c.1004del (p.Pro335fs)

Gene: AUTS2 (activator of transcription and developmental regulator AUTS2; plus strand). Cytogenetic location: 7q11.22.
Variant type: Deletion.
Coding change: c.1004del on transcript NM_015570.4 (MANE Select); coding-DNA position 1004, one base deleted (C; older notation c.1004delC).
Protein change: p.Pro335fs; shifts the reading frame from proline 335.
Molecular consequence: frameshift variant.
Genome position (GRCh38, 1-based): chr7:70,763,131, C deleted; the last of 5 consecutive C bases (chr7:70,763,127-70,763,131); deleting any one gives the same sequence. VCF-style (leftmost placement, unchanged base first): chr7-70763126-AC-A. GRCh37 (hg19) VCF-style: chr7-70228112-AC-A.
Other names: c.1004del, p.Pro335fs (NM_001127231.3); short protein forms P335fs.
Identifiers: ClinVar variation 3901565 (VCV003901565.1).
Genomic context (GRCh38, chr7:70,763,126, plus strand): 5'-CCAACTCCGAGCTCCTTCTCCGGACCCTGACTTGGTGCAGCGCACAGAGGCCCCACCTCA[AC>A]CCCCACCTCTGAGTACACAGCCACCACAGGGCCCTCCTGAGGCCCAGCTCCAGCCTGCCC-3'